The following is an entry in ClinVar:

NM_000038.6(APC):c.8099_8102del (p.Asn2700fs)

Gene: APC (APC regulator of Wnt signaling pathway; plus strand). Cytogenetic location: 5q22.2.
Variant type: Deletion.
Coding change: c.8099_8102del on transcript NM_000038.6 (MANE Select); coding-DNA positions 8099 to 8102, 4 bases deleted (ATCA; older notation c.8099_8102delATCA).
Protein change: p.Asn2700fs; shifts the reading frame from asparagine 2700.
Molecular consequence: frameshift variant.
Genome position (GRCh38, 1-based): chr5:112,843,693-112,843,696, ATCA deleted; deleting any 4 consecutive bases within chr5:112,843,692-112,843,696 gives the same sequence; the c. name uses the placement nearest the transcript's 3' end. VCF-style (leftmost placement, unchanged base first): chr5-112843691-TAATC-T. GRCh37 (hg19) VCF-style: chr5-112179388-TAATC-T.
Other names: c.8099_8102del, p.Asn2700fs (NM_001127510.3, NM_001354895.2); c.8045_8048del, p.Asn2682fs (NM_001127511.3); c.8153_8156del, p.Asn2718fs (NM_001354896.2); c.8129_8132del, p.Asn2710fs (NM_001354897.2); c.8024_8027del, p.Asn2675fs (NM_001354898.2); c.8015_8018del, p.Asn2672fs (NM_001354899.2); c.7976_7979del, p.Asn2659fs (NM_001354900.2); c.7922_7925del, p.Asn2641fs (NM_001354901.2); and 5 more; short protein forms N2540fs, N2672fs, N2675fs, N2682fs, N2574fs, N2599fs, N2641fs, N2417fs.
Identifiers: ClinVar variation 827446 (VCV000827446.4), dbSNP rs1580690024, ClinGen allele CA915943527.

ClinVar aggregate classification (germline): Likely pathogenic (1 of 4 stars; one submission).

Conditions:
Hereditary cancer-predisposing syndrome. Also called: Neoplastic Syndromes, Hereditary; Tumor predisposition; Hereditary neoplastic syndrome; Hereditary Cancer Syndrome. Identifiers: Orphanet 140162, MedGen C0027672, MeSH D009386, MONDO:0015356.

Submission:

Ambry Genetics
Classification: Likely pathogenic for Hereditary cancer-predisposing syndrome. Last evaluated: 2020-04-03. Review status: criteria provided, single submitter. Criteria: Ambry Variant Classification Scheme 2023. Collection method: clinical testing. Allele origin: germline.
Comment: The c.8099_8102delATCA variant, located in coding exon 15 of the APC gene, results from a deletion of 4 nucleotides at nucleotide positions 8099 to 8102, causing a translational frameshift with a predicted alternate stop codon (p.N2700Rfs*22). This alteration is expected to result in loss of function by premature protein truncation; however, this frameshift occurs at the 3' terminus of APC, is not expected to trigger nonsense-mediated mRNA decay, and impacts only the last 144 amino acids of the protein. The exact functional impact of these altered amino acids is unknown at this time. Based on the majority of available evidence to date, this variant is likely to be pathogenic.